The following is an entry in ClinVar:

ClinVar aggregate classification (germline): Uncertain significance. Review status: criteria provided, multiple submitters, no conflicts (2 of 4 stars). 4 submissions from 4 submitters: Uncertain significance (4). Last evaluated 2025-06-24.

Conditions:
Hereditary spastic paraplegia 15 (SPG15). Also called: SPASTIC PARAPLEGIA 15, AUTOSOMAL RECESSIVE; SPASTIC PARAPLEGIA AND RETINAL DEGENERATION; KJELLIN SYNDROME. Identifiers: Orphanet 100996, MedGen C1849128, MONDO:0010044, OMIM 270700.
Hereditary spastic paraplegia. Also called: Familial spastic paraparesis. Identifiers: Orphanet 685, MedGen C0037773, MONDO:0019064. Disease mechanism: loss of function.
Spastic paraplegia. Identifiers: MedGen C0037772, HP:0001258.

gnomAD v4.1: 42 of 1,608,562 alleles (0.0026%); highest among the groups gnomAD compares: Non-Finnish European, 0.0034%; no homozygotes.

Submissions (4):

Mayo Clinic Laboratories, Mayo Clinic
Classification: Uncertain significance. Last evaluated: 2025-06-24. Review status: criteria provided, single submitter. Criteria: ACMG Guidelines, 2015. Collection method: clinical testing. Allele origin: germline. Observed: 1 variant allele.
Comment: BP4_moderate

Labcorp Genetics (formerly Invitae), Labcorp
Classification: Uncertain significance for Spastic paraplegia. Last evaluated: 2022-08-03. Review status: criteria provided, single submitter. Criteria: Invitae Variant Classification Sherloc (09022015). Collection method: clinical testing. Allele origin: germline.
Comment: This sequence change replaces arginine, which is basic and polar, with glycine, which is neutral and non-polar, at codon 1342 of the ZFYVE26 protein (p.Arg1342Gly). This variant is present in population databases (rs368778263, gnomAD 0.01%). This variant has not been reported in the literature in individuals affected with ZFYVE26-related conditions. ClinVar contains an entry for this variant (Variation ID: 1344195). Algorithms developed to predict the effect of missense changes on protein structure and function (SIFT, PolyPhen-2, Align-GVGD) all suggest that this variant is likely to be tolerated. In summary, the available evidence is currently insufficient to determine the role of this variant in disease. Therefore, it has been classified as a Variant of Uncertain Significance.

Laboratorio de Genetica e Diagnostico Molecular, Hospital Israelita Albert Einstein
Classification: Uncertain significance for Hereditary spastic paraplegia 15. Last evaluated: 2021-05-27. Review status: criteria provided, single submitter. Criteria: ACMG Guidelines, 2015. Collection method: clinical testing. Allele origin: germline. Affected: yes.
Comment: ACMG classification criteria: PM2 moderate, BP4 supporting

Genome Diagnostics Laboratory, The Hospital for Sick Children
Classification: Uncertain significance for Hereditary spastic paraplegia. Last evaluated: 2016-12-12. Review status: criteria provided, single submitter. Criteria: ACMG Guidelines, 2015. Collection method: clinical testing. Allele origin: germline. Affected: yes.

NM_015346.4(ZFYVE26):c.4024C>G (p.Arg1342Gly)

Gene: ZFYVE26 (zinc finger FYVE-type containing 26; minus strand). Cytogenetic location: 14q24.1.
Variant type: single nucleotide variant.
Coding change: c.4024C>G on transcript NM_015346.4 (MANE Select); coding-DNA position 4024, C replaced by G.
Protein change: p.Arg1342Gly; replaces arginine 1342 with glycine.
Molecular consequence: missense variant.
Genome position (GRCh38, 1-based): chr14:67,783,128, G>C on the plus strand (C>G on the coding strand, the complement: ZFYVE26 is on the minus strand). VCF-style: chr14-67783128-G-C. GRCh37 (hg19) VCF-style: chr14-68249845-G-C.
Other names: p.Arg1342Gly; short protein forms R1342G.
Identifiers: ClinVar variation 1344195 (VCV001344195.8), dbSNP rs368778263, ClinGen allele CA7239858.